The following is an entry in ClinVar:

ClinVar aggregate classification (germline): Uncertain significance. Review status: criteria provided, multiple submitters, no conflicts (2 of 4 stars). 2 submissions from 2 submitters: Uncertain significance (2). Last evaluated 2023-11-27.

Conditions:
Brugada syndrome 5 (BRGDA5). Identifiers: Orphanet 130, Orphanet 871, MedGen C2748541, MONDO:0013015, OMIM 612838.

Allele frequency attached by ClinVar (database versions not stated): gnomAD exomes below 0.00001; gnomAD 0.00001; TOPMed 0.00002.
gnomAD v4.1: 3 of 1,613,752 alleles (0.00019%); highest among the groups gnomAD compares: Admixed American, 0.005%; no homozygotes.

Submissions (2):

Labcorp Genetics (formerly Invitae), Labcorp
Classification: Uncertain significance for Brugada syndrome 5. Last evaluated: 2023-11-27. Review status: criteria provided, single submitter. Criteria: Invitae Variant Classification Sherloc (09022015). Collection method: clinical testing. Allele origin: germline.
Comment: This sequence change replaces valine, which is neutral and non-polar, with leucine, which is neutral and non-polar, at codon 68 of the SCN1B protein (p.Val68Leu). This variant is present in population databases (no rsID available, gnomAD 0.003%). This variant has not been reported in the literature in individuals affected with SCN1B-related conditions. ClinVar contains an entry for this variant (Variation ID: 2000072). An algorithm developed to predict the effect of missense changes on protein structure and function (PolyPhen-2) suggests that this variant is likely to be tolerated. In summary, the available evidence is currently insufficient to determine the role of this variant in disease. Therefore, it has been classified as a Variant of Uncertain Significance.

Clinical Genetics Laboratory, Skane University Hospital Lund
Classification: Uncertain significance. Last evaluated: 2022-05-27. Review status: criteria provided, single submitter. Criteria: ACMG Guidelines, 2015. Collection method: clinical testing. Allele origin: germline. Affected: yes.

NM_001037.5(SCN1B):c.202G>C (p.Val68Leu)

Gene: SCN1B (sodium voltage-gated channel beta subunit 1; plus strand). Cytogenetic location: 19q13.11.
Variant type: single nucleotide variant.
Coding change: c.202G>C on transcript NM_001037.5 (MANE Select); coding-DNA position 202, G replaced by C.
Protein change: p.Val68Leu; replaces valine 68 with leucine.
Molecular consequence: missense variant.
Genome position (GRCh38, 1-based): chr19:35,032,689, G>C. VCF-style: chr19-35032689-G-C. GRCh37 (hg19) VCF-style: chr19-35523593-G-C.
Other names: c.103G>C, p.Val35Leu (NM_001321605.2); c.202G>C, p.Val68Leu (NM_199037.5); c.202G>C (NM_199037.4); short protein forms V68L, V35L.
Identifiers: ClinVar variation 2000072 (VCV002000072.5), dbSNP rs1210475130, ClinGen allele CA405328376.